The following is an entry in ClinVar:

ClinVar aggregate classification (germline): Conflicting classifications of pathogenicity. Review status: criteria provided, conflicting classifications (1 of 4 stars). 4 submissions from 4 submitters: Uncertain significance (3); Likely benign (1). Last evaluated 2025-08-12.

Conditions:
COL18A1-related disorder. Also called: COL18A1-related disorders; COL18A1-related condition.
Knobloch syndrome (KNO). Also called: Myopia retinal detachment encephalocele; RETINAL DETACHMENT AND OCCIPITAL ENCEPHALOCELE. Identifiers: Orphanet 1571, MedGen C1849409, MONDO:0800166.

Allele frequency attached by ClinVar (database versions not stated): gnomAD below 0.00001; TOPMed below 0.00001; gnomAD exomes 0.00009; 1000 Genomes Project 30x 0.00016.
gnomAD v4.1: 117 of 1,404,162 alleles (0.0083%); highest among the groups gnomAD compares: South Asian, 0.13%; no homozygotes.

Submissions (4):

GeneDx
Classification: Uncertain significance. Last evaluated: 2025-08-12. Review status: criteria provided, single submitter. Criteria: GeneDx Variant Classification Process June 2021. Collection method: clinical testing. Allele origin: germline. Affected: yes.
Comment: In silico analysis supports that this missense variant has a deleterious effect on protein structure/function; Has not been previously published as pathogenic or benign to our knowledge

PreventionGenetics, part of Exact Sciences
Classification: Likely benign for COL18A1-related condition. Last evaluated: 2025-01-14. Review status: criteria provided, single submitter. Criteria: ACMG Guidelines, 2015. Collection method: clinical testing. Allele origin: germline.
Comment: This variant is classified as likely benign based on ACMG/AMP sequence variant interpretation guidelines (Richards et al. 2015 PMID: 25741868, with internal and published modifications).

Labcorp Genetics (formerly Invitae), Labcorp
Classification: Uncertain significance. Last evaluated: 2023-08-30. Review status: criteria provided, single submitter. Criteria: Invitae Variant Classification Sherloc (09022015). Collection method: clinical testing. Allele origin: germline.
Comment: In summary, the available evidence is currently insufficient to determine the role of this variant in disease. Therefore, it has been classified as a Variant of Uncertain Significance. Experimental studies and prediction algorithms are not available or were not evaluated, and the functional significance of this variant is currently unknown. ClinVar contains an entry for this variant (Variation ID: 899363). This variant has not been reported in the literature in individuals affected with COL18A1-related conditions. This variant is present in population databases (rs377444691, gnomAD 0.2%). This sequence change replaces glycine, which is neutral and non-polar, with alanine, which is neutral and non-polar, at codon 837 of the COL18A1 protein (p.Gly837Ala).

Illumina Laboratory Services, Illumina
Classification: Uncertain significance for Knobloch syndrome 1. Last evaluated: 2018-01-13. Review status: criteria provided, single submitter. Criteria: ICSL Variant Classification Criteria 13 December 2019. Collection method: clinical testing. Allele origin: germline.

NM_001379500.1(COL18A1):c.2510G>C (p.Gly837Ala)

Gene: COL18A1 (collagen type XVIII alpha 1 chain; plus strand). Cytogenetic location: 21q22.3.
Variant type: single nucleotide variant.
Coding change: c.2510G>C on transcript NM_001379500.1 (MANE Select); coding-DNA position 2510, G replaced by C.
Protein change: p.Gly837Ala; replaces glycine 837 with alanine.
Molecular consequence: missense variant.
Genome position (GRCh38, 1-based): chr21:45,496,501, G>C. VCF-style: chr21-45496501-G-C. GRCh37 (hg19) VCF-style: chr21-46916415-G-C.
Other names: NM_130445.2:c.2510G>C; c.3050G>C, p.Gly1017Ala (NM_030582.4); c.3755G>C, p.Gly1252Ala (NM_130444.3); c.3050G>C (NM_030582.3); short protein forms G1017A, G1252A, G837A.
Identifiers: ClinVar variation 899363 (VCV000899363.9), dbSNP rs377444691, ClinGen allele CA10067164.